The following is an entry in ClinVar:

ClinVar aggregate classification (germline): Likely benign (1 of 4 stars; one submission).

Conditions:
Charcot-Marie-Tooth disease type 4H (CMT4H). Also called: CHARCOT-MARIE-TOOTH DISEASE, AUTOSOMAL RECESSIVE, TYPE 4H; CHARCOT-MARIE-TOOTH DISEASE, DEMYELINATING, AUTOSOMAL RECESSIVE, TYPE 4H; CHARCOT-MARIE-TOOTH NEUROPATHY, TYPE 4H; CHARCOT-MARIE-TOOTH DISEASE, DEMYELINATING, TYPE 4H. Identifiers: Orphanet 99954, MedGen C1836336, MONDO:0012250, OMIM 609311.

Allele frequency attached by ClinVar (database versions not stated): gnomAD 0.00115 and 0.00121; TOPMed 0.00172; 1000 Genomes Project 0.00180; 1000 Genomes Project 30x 0.00219.

Submission:

Illumina Laboratory Services, Illumina
Classification: Likely benign for Charcot-Marie-Tooth disease type 4H. Last evaluated: 2018-01-13. Review status: criteria provided, single submitter. Criteria: ICSL Variant Classification Criteria 13 December 2019. Collection method: clinical testing. Allele origin: germline.
Comment: This variant was observed in the ICSL laboratory as part of a predisposition screen in an ostensibly healthy population. It had not been previously curated by ICSL or reported in the Human Gene Mutation Database (HGMD: prior to June 1st, 2018), and was therefore a candidate for classification through an automated scoring system. Utilizing variant allele frequency, disease prevalence and penetrance estimates, and inheritance mode, an automated score was calculated to assess if this variant is too frequent to cause the disease. Based on the score and internal cut-off values, a variant classified as likely benign is not then subjected to further curation. The score for this variant resulted in a classification of likely benign for this disease.

NM_001370298.3(FGD4):c.*2638A>G

Gene: FGD4 (FYVE, RhoGEF and PH domain containing 4; plus strand). Cytogenetic location: 12p11.21.
Variant type: single nucleotide variant.
Coding change: c.*2638A>G on transcript NM_001370298.3 (MANE Select); 2638 bases downstream of the stop codon, A replaced by G.
Molecular consequence: 3 prime UTR variant. On other transcripts: intron variant (3).
Genome position (GRCh38, 1-based): chr12:32,643,171, A>G. VCF-style: chr12-32643171-A-G. GRCh37 (hg19) VCF-style: chr12-32796105-A-G.
Other names: c.*2638A>G (NM_001304481.2, NM_001304484.2, NM_001330373.2 and 5 more transcripts); c.2633-1423A>G (NM_001384126.1); c.2222-1423A>G (NM_001384127.1, NM_001384128.1).
Identifiers: ClinVar variation 308334 (VCV000308334.5), dbSNP rs193167910, ClinGen allele CA10640930.